The following is an entry in ClinVar:

NM_024757.5(EHMT1):c.3563A>G (p.Asp1188Gly)

Gene: EHMT1 (euchromatic histone lysine methyltransferase 1; plus strand). Cytogenetic location: 9q34.3.
Variant type: single nucleotide variant.
Coding change: c.3563A>G on transcript NM_024757.5 (MANE Select); coding-DNA position 3563, A replaced by G.
Protein change: p.Asp1188Gly; replaces aspartic acid 1188 with glycine.
Molecular consequence: missense variant.
Genome position (GRCh38, 1-based): chr9:137,834,371, A>G. VCF-style: chr9-137834371-A-G. GRCh37 (hg19) VCF-style: chr9-140728823-A-G.
Other names: c.3542A>G, p.Asp1181Gly (NM_001354263.2); short protein forms D1181G, D1188G.
Identifiers: ClinVar variation 1804441 (VCV001804441.2), dbSNP rs777264021, ClinGen allele CA375781261.

ClinVar aggregate classification (germline): Uncertain significance. Review status: criteria provided, multiple submitters, no conflicts (2 of 4 stars). 2 submissions from 2 submitters: Uncertain significance (2). Last evaluated 2023-08-09.

Conditions:
EHMT1-related disorder. Also called: EHMT1-related condition.

Allele frequency attached by ClinVar (database versions not stated): TOPMed below 0.00001.

Submissions (2):

PreventionGenetics, part of Exact Sciences
Classification: Uncertain significance for EHMT1-related condition. Last evaluated: 2023-08-09. Review status: criteria provided, single submitter. Criteria: ACMG Guidelines, 2015. Collection method: clinical testing. Allele origin: germline.
Comment: The EHMT1 c.3563A>G variant is predicted to result in the amino acid substitution p.Asp1188Gly. To our knowledge, this variant has not been reported in the literature or in a large population database, indicating this variant is rare. At this time, the clinical significance of this variant is uncertain due to the absence of conclusive functional and genetic evidence.

GeneDx
Classification: Uncertain significance. Last evaluated: 2022-12-16. Review status: criteria provided, single submitter. Criteria: GeneDx Variant Classification Process June 2021. Collection method: clinical testing. Allele origin: germline. Affected: yes.
Comment: Not observed in large population cohorts (gnomAD); In silico analysis supports that this missense variant has a deleterious effect on protein structure/function; Has not been previously published as pathogenic or benign to our knowledge